The following is an entry in ClinVar:

NM_000553.6(WRN):c.160G>T (p.Val54Leu)

Gene: WRN (WRN RecQ like helicase; plus strand). Cytogenetic location: 8p12.
Variant type: single nucleotide variant.
Coding change: c.160G>T on transcript NM_000553.6 (MANE Select); coding-DNA position 160, G replaced by T.
Protein change: p.Val54Leu; replaces valine 54 with leucine.
Molecular consequence: missense variant.
Genome position (GRCh38, 1-based): chr8:31,059,216, G>T. VCF-style: chr8-31059216-G-T. GRCh37 (hg19) VCF-style: chr8-30916732-G-T.
Other names: short protein forms V54L.
Identifiers: ClinVar variation 2179627 (VCV002179627.4), dbSNP rs762851957, ClinGen allele CA370912553.

ClinVar aggregate classification (germline): Uncertain significance (1 of 4 stars; one submission).

Conditions:
Werner syndrome (WRN). Identifiers: Orphanet 902, MedGen C0043119, MONDO:0010196, OMIM 277700.

Submission:

Labcorp Genetics (formerly Invitae), Labcorp
Classification: Uncertain significance for Werner syndrome. Last evaluated: 2022-09-27. Review status: criteria provided, single submitter. Criteria: Invitae Variant Classification Sherloc (09022015). Collection method: clinical testing. Allele origin: germline.
Comment: In summary, the available evidence is currently insufficient to determine the role of this variant in disease. Therefore, it has been classified as a Variant of Uncertain Significance. This variant is not present in population databases (gnomAD no frequency). This variant has not been reported in the literature in individuals affected with WRN-related conditions. Algorithms developed to predict the effect of missense changes on protein structure and function are either unavailable or do not agree on the potential impact of this missense change (SIFT: "Not Available"; PolyPhen-2: "Benign"; Align-GVGD: "Not Available"). This sequence change replaces valine, which is neutral and non-polar, with leucine, which is neutral and non-polar, at codon 54 of the WRN protein (p.Val54Leu).